The following is an entry in ClinVar:

ClinVar aggregate classification (germline): Benign. Review status: criteria provided, multiple submitters, no conflicts (2 of 4 stars). 8 submissions from 8 submitters: Benign (7). 1 of the submissions does not count toward it. Last evaluated 2025-04-25.

Conditions:
Autosomal dominant polycystic kidney disease. Identifiers: Orphanet 730, MedGen C0085413, MONDO:0004691.
Polycystic kidney disease, adult type (PKD1). Also called: Polycystic Kidney, Autosomal Dominant; Polycystic Kidney Disease 1, Autosomal Dominant; Polycystic kidney disease 1; Polycystic kidney disease 1, severe; POLYCYSTIC KIDNEY DISEASE 1 WITH OR WITHOUT POLYCYSTIC LIVER DISEASE; POLYCYSTIC KIDNEY DISEASE, ADULT, TYPE I. Identifiers: MedGen C3149841, MONDO:0008263, OMIM 173900.
Polycystic kidney disease. Also called: Polycystic kidney dysplasia; Kidney, Polycystic. Identifiers: MedGen C0022680, MeSH D007690, MONDO:0020642, HP:0000113.

Allele frequency attached by ClinVar (database versions not stated): 1000 Genomes Project 0.15555; 1000 Genomes Project 30x 0.15912; gnomAD 0.16122 and 0.16978; TOPMed 0.16709.
gnomAD v4.1: 115,748 of 1,575,576 alleles (7.3%); highest among the groups gnomAD compares: African/African-American, 39%; 9,382 homozygotes.

Submissions (8):

Women's Health and Genetics/Laboratory Corporation of America, LabCorp
Classification: Benign. Last evaluated: 2025-04-25. Review status: criteria provided, single submitter. Criteria: LabCorp Variant Classification Summary - May 2015. Collection method: clinical testing. Allele origin: germline.

Blueprint Genetics
Classification: Benign. Last evaluated: 2024-11-27. Review status: criteria provided, single submitter. Criteria: ACMG Guidelines, 2015. Collection method: clinical testing. Allele origin: germline.

ARUP Laboratories, Molecular Genetics and Genomics, ARUP Laboratories
Classification: Benign for Polycystic kidney disease, adult type. Last evaluated: 2020-06-02. Review status: criteria provided, single submitter. Criteria: ARUP Molecular Germline Variant Investigation Process. Collection method: clinical testing. Allele origin: germline.

GeneDx
Classification: Benign. Last evaluated: 2019-12-30. Review status: criteria provided, single submitter. Criteria: GeneDx Variant Classification Process June 2021. Collection method: clinical testing. Allele origin: germline. Affected: yes.
Comment: This variant is associated with the following publications: (PMID: 22008521, 17574468, 11967008)

Molecular Genetics of Inherited Kidney Disorders Laboratory, Garvan Institute of Medical Research
Classification: Benign for Autosomal dominant polycystic kidney disease. Last evaluated: 2019-01-01. Review status: criteria provided, single submitter. Criteria: ACMG Guidelines, 2015. Collection method: research. Allele origin: germline. Affected: yes.

Breakthrough Genomics
Classification: Benign. Review status: criteria provided, single submitter. Criteria: ACMG Guidelines, 2015. Collection method: not provided. Allele origin: germline. Inheritance: Autosomal dominant inheritance. Affected: yes.

PreventionGenetics, part of Exact Sciences
Classification: Benign. Review status: criteria provided, single submitter. Criteria: ACMG Guidelines, 2015. Collection method: clinical testing. Allele origin: germline.

Department of Pathology and Laboratory Medicine, Sinai Health System
Classification: Benign for Polycystic Kidney disease. Review status: no assertion criteria provided. Collection method: clinical testing. Allele origin: unknown. Affected: yes. Observed: 1 variant allele. Study: The Canadian Open Genetics Repository (COGR). Not counted in ClinVar's aggregate classification.
Comment: PKD1, c.9569-13T>C, (Alias: IVS27-13T>C), Heterozygous, Benign The PKD1 c.9569-13T>C variant was identified in 22 of 328 proband chromosomes (frequency: 0.067) from individuals or families with ADPKD or renal disease, and was not identified in 100 control chromosomes from healthy individuals (Bataille 2011, Garcia-Gonzalez 2007, Rossetti 2002). All the above studies have identified the variant as a polymorphism. The c.9569-13T>C variant was identified in the dbSNP (ID: rs11248911) with unknown clinical significance with a minor allele frequency 0.1556 (779 of 5000 chromosomes in 1000 Genome Project). The variant was not identified In the NHLBI Exome Sequencing Project (Exome Variant Server). The variant was identified in Exome Aggregation Consortium (March 14, 2016) in 5596 of 114186 chromosomes (frequency: 0.04901) or 330 of 6146 of European (Finnish), 2393 of 62978 European (Non-Finnish), 2033 of 8090 African, 193 of 11226 Latino, 601 of 16298 South Asians, 3 of 8592 East Asians and 43 of 856 Other populations. The variant was identified in PKD Mutation Database and classified as likely neutral and not predicted to alter splicing. The c.9569-13T>C variant occurs outside of the splicing consensus sequence and in silico or computational prediction software programs (SpliceSiteFinder, MaxEntScan, NNSPLICE, GeneSplicer, HumanSpliceFinder) do not predict a difference in splicing. In summary, based on the above information, this variant meets our laboratory criteria to be classified as benign.

NM_001009944.3(PKD1):c.9569-13T>C

Gene: PKD1 (polycystin 1, transient receptor potential channel interacting; minus strand). Cytogenetic location: 16p13.3.
Variant type: single nucleotide variant.
Coding change: c.9569-13T>C on transcript NM_001009944.3 (MANE Select); 13 bases into the intron before coding-DNA position 9569, T replaced by C.
Molecular consequence: intron variant.
Genome position (GRCh38, 1-based): chr16:2,100,322, A>G on the plus strand (T>C on the coding strand, the complement: PKD1 is on the minus strand). VCF-style: chr16-2100322-A-G. GRCh37 (hg19) VCF-style: chr16-2150323-A-G.
Other names: c.9569-13T>C (NM_000296.4).
Identifiers: ClinVar variation 257043 (VCV000257043.19), dbSNP rs11248911, ClinGen allele CA7830014.